The following is an entry in ClinVar:

ClinVar aggregate classification (germline): Conflicting classifications of pathogenicity. Review status: criteria provided, conflicting classifications (1 of 4 stars). 8 submissions from 8 submitters: Pathogenic (2); Likely pathogenic (3); Uncertain significance (3). Last evaluated 2025-07-22.

Conditions:
Autoinflammatory syndrome. Identifiers: Orphanet 93665, MedGen C3890737, MONDO:0019751.
Aplastic anemia. Identifiers: Orphanet 182040, Orphanet 88, MedGen C0002874, MONDO:0015909, OMIM 609135, HP:0001915.
Familial hemophagocytic lymphohistiocytosis 2 (FHL2). Also called: PRF1-Related Familial Hemophagocytic Lymphohistiocytosis (PRF1-fHLH). Identifiers: Orphanet 540, MedGen C1863727, MONDO:0011337, OMIM 603553.
Lymphoma, non-Hodgkin, familial. Identifiers: MedGen C4721532, MONDO:0011508, OMIM 605027.

Allele frequency attached by ClinVar (database versions not stated): gnomAD exomes 0.00006; ExAC 0.00009; gnomAD 0.00013.

Submissions (8):

Labcorp Genetics (formerly Invitae), Labcorp
Classification: Pathogenic for Familial hemophagocytic lymphohistiocytosis 2. Last evaluated: 2025-07-22. Review status: criteria provided, single submitter. Criteria: Invitae Variant Classification Sherloc (09022015). Collection method: clinical testing. Allele origin: germline.
Comment: This sequence change replaces arginine, which is basic and polar, with histidine, which is basic and polar, at codon 232 of the PRF1 protein (p.Arg232His). This variant is present in population databases (rs747380397, gnomAD 0.03%). This missense change has been observed in individual(s) with anaplastic large cell lymphoma and hemophagocytic lymphohistiocytosis and/or hemophagocytic lymphohistiocytosis (PMID: 12060139, 14739222, 16278825, 21881043, 22970278, 24309606, 26342526; internal data). In at least one individual the data is consistent with being in trans (on the opposite chromosome) from a pathogenic variant. ClinVar contains an entry for this variant (Variation ID: 300331). Invitae Evidence Modeling of protein sequence and biophysical properties (such as structural, functional, and spatial information, amino acid conservation, physicochemical variation, residue mobility, and thermodynamic stability) indicates that this missense variant is expected to disrupt PRF1 protein function with a positive predictive value of 95%. Experimental studies have shown that this missense change affects PRF1 function (PMID: 15755897, 16374518, 19487666). This variant disrupts the p.Arg232 amino acid residue in PRF1. Other variant(s) that disrupt this residue have been observed in individuals with PRF1-related conditions (PMID: 33225392, 33746956), which suggests that this may be a clinically significant amino acid residue. For these reasons, this variant has been classified as Pathogenic.

Myriad Genetics, Inc.
Classification: Likely pathogenic for Familial hemophagocytic lymphohistiocytosis 2. Last evaluated: 2025-01-10. Review status: criteria provided, single submitter. Criteria: Myriad Autosomal Dominant, Autosomal Recessive and X-Linked Classification Criteria (2023). Collection method: clinical testing. Allele origin: unknown.
Comment: NM_001083116.1(PRF1):c.695G>A(R232H) is a missense variant classified as likely pathogenic in the context of familial hemophagocytic lymphohistiocytosis, PRF1-related. R232H has been observed in cases with relevant disease (PMID: 22970278, 21881043, 16278825). Relevant functional assessments of this variant are available in the literature (PMID: 19487666, 16374518). R232H has been observed in referenced population frequency databases. In summary, NM_001083116.1(PRF1):c.695G>A(R232H) is a missense variant that has functional support for pathogenicity and has been observed more frequently in cases with the relevant disease than in healthy populations. Please note: this variant was assessed in the context of healthy population screening.

GeneDx
Classification: Likely pathogenic. Last evaluated: 2024-03-10. Review status: criteria provided, single submitter. Criteria: GeneDx Variant Classification Process June 2021. Collection method: clinical testing. Allele origin: germline. Affected: yes.
Comment: Published functional studies demonstrate a damaging effect, including reduced protein activity and unstable/unfolded protein (PMID: 15755897); In silico analysis supports that this missense variant does not alter protein structure/function; This variant is associated with the following publications: (PMID: 23592409, 24309606, 21881043, 19487666, 16374518, 26342526, 27872624, 17477373, 22970278, 16278825, 15755897, 33225392, 12060139, 14739222)

Baylor Genetics
Classification: Pathogenic for Aplastic anemia. Last evaluated: 2024-03-07. Review status: criteria provided, single submitter. Criteria: ACMG Guidelines, 2015. Collection method: clinical testing. Allele origin: unknown.

Fulgent Genetics
Classification: Likely pathogenic for Familial hemophagocytic lymphohistiocytosis 2; Lymphoma, non-Hodgkin, familial; Aplastic anemia. Last evaluated: 2024-02-26. Review status: criteria provided, single submitter. Criteria: ACMG Guidelines, 2015. Collection method: clinical testing. Allele origin: germline.

Blueprint Genetics
Classification: Uncertain significance. Last evaluated: 2023-08-28. Review status: criteria provided, single submitter. Criteria: ACMG Guidelines, 2015. Collection method: clinical testing. Allele origin: germline.

Department of Pathology and Laboratory Medicine, Sinai Health System
Classification: Uncertain significance for Familial hemophagocytic lymphohistiocytosis 2; Lymphoma, non-Hodgkin, familial; Aplastic anemia. Last evaluated: 2022-02-11. Review status: criteria provided, single submitter. Criteria: ACMG Guidelines, 2015. Collection method: research. Allele origin: germline.

Genome Diagnostics Laboratory, The Hospital for Sick Children
Classification: Uncertain significance for Autoinflammatory syndrome. Last evaluated: 2018-07-01. Review status: criteria provided, single submitter. Criteria: ACMG Guidelines, 2015. Collection method: clinical testing. Allele origin: germline. Affected: yes.

Literature cited by the submitters: PubMed 12060139 (cited by Labcorp Genetics (formerly Invitae), Labcorp); PubMed 14739222 (cited by Labcorp Genetics (formerly Invitae), Labcorp); PubMed 16278825 (cited by Labcorp Genetics (formerly Invitae), Labcorp and Myriad Genetics, Inc.); PubMed 21881043 (cited by Labcorp Genetics (formerly Invitae), Labcorp and Myriad Genetics, Inc.); PubMed 22970278 (cited by Labcorp Genetics (formerly Invitae), Labcorp and Myriad Genetics, Inc.); PubMed 24309606 (cited by Labcorp Genetics (formerly Invitae), Labcorp); PubMed 26342526 (cited by Labcorp Genetics (formerly Invitae), Labcorp); PubMed 15755897 (cited by Labcorp Genetics (formerly Invitae), Labcorp); PubMed 16374518 (cited by Labcorp Genetics (formerly Invitae), Labcorp and Myriad Genetics, Inc.); PubMed 19487666 (cited by Labcorp Genetics (formerly Invitae), Labcorp and Myriad Genetics, Inc.); PubMed 33225392 (cited by Labcorp Genetics (formerly Invitae), Labcorp); PubMed 33746956 (cited by Labcorp Genetics (formerly Invitae), Labcorp).

NM_001083116.3(PRF1):c.695G>A (p.Arg232His)

Gene: PRF1 (perforin 1; minus strand). Cytogenetic location: 10q22.1.
Variant type: single nucleotide variant.
Coding change: c.695G>A on transcript NM_001083116.3 (MANE Select); coding-DNA position 695, G replaced by A.
Protein change: p.Arg232His; replaces arginine 232 with histidine.
Molecular consequence: missense variant.
Genome position (GRCh38, 1-based): chr10:70,599,026, C>T on the plus strand (G>A on the coding strand, the complement: PRF1 is on the minus strand). VCF-style: chr10-70599026-C-T. GRCh37 (hg19) VCF-style: chr10-72358782-C-T.
Other names: c.695G>A, p.Arg232His (NM_005041.6); short protein forms R232H.
Identifiers: ClinVar variation 300331 (VCV000300331.24), dbSNP rs747380397, ClinGen allele CA5538943.